The following is an entry in ClinVar:

NM_024596.5(MCPH1):c.33C>G (p.Ala11=)

Gene: MCPH1 (microcephalin 1; plus strand). Cytogenetic location: 8p23.1.
Variant type: single nucleotide variant.
Coding change: c.33C>G on transcript NM_024596.5 (MANE Select); coding-DNA position 33, C replaced by G.
Protein change: p.Ala11=; no amino-acid change (alanine 11 retained).
Molecular consequence: synonymous variant. On other transcripts: non-coding transcript variant (1), 5 prime UTR variant (1).
Genome position (GRCh38, 1-based): chr8:6,409,289, C>G. VCF-style: chr8-6409289-C-G. GRCh37 (hg19) VCF-style: chr8-6266810-C-G.
Other names: c.33C>G, p.Ala11= (NM_001172574.2, NM_001172575.2, NM_001322042.2 and 4 more transcripts); c.27C>G, p.Ala9= (NM_001322043.2); c.-70C>G (NM_001322045.2).
Identifiers: ClinVar variation 2658350 (VCV002658350.27), dbSNP rs1798205534, ClinGen allele CA459165646.

ClinVar aggregate classification (germline): Likely benign. Review status: criteria provided, multiple submitters, no conflicts (2 of 4 stars). 2 submissions from 2 submitters: Likely benign (2). Last evaluated 2023-11-15.

gnomAD v4.1: 6 of 1,613,008 alleles (0.00037%); highest among the groups gnomAD compares: African/African-American, 0.0013%; no homozygotes.

Submissions (2):

Labcorp Genetics (formerly Invitae), Labcorp
Classification: Likely benign. Last evaluated: 2023-11-15. Review status: criteria provided, single submitter. Criteria: Invitae Variant Classification Sherloc (09022015). Collection method: clinical testing. Allele origin: germline.

CeGaT Center for Human Genetics Tuebingen
Classification: Likely benign. Last evaluated: 2022-12-01. Review status: criteria provided, single submitter. Criteria: CeGaT Center For Human Genetics Tuebingen Variant Classification Criteria Version 2. Collection method: clinical testing. Allele origin: germline. Affected: yes. Observed: 1 variant allele.
Comment: MCPH1: PM2:Supporting, BP4, BP7